The following is an entry in ClinVar:

ClinVar aggregate classification (germline): Conflicting classifications of pathogenicity. Review status: criteria provided, conflicting classifications (1 of 4 stars). 7 submissions from 7 submitters: Uncertain significance (1); Benign (2); Likely benign (3). 1 of the submissions does not count toward it. Last evaluated 2026-01-06.

Conditions:
FGFR1-related disorder. Also called: FGFR1-related condition; FGFR1-related disorders. Identifiers: MedGen CN380097.
Pfeiffer syndrome (ACS5). Also called: ACS V. Identifiers: Orphanet 710, MedGen C0220658, MONDO:0007043, OMIM 101600.
Hypogonadotropic hypogonadism 2 with or without anosmia (HH2). Also called: HYPOGONADOTROPIC HYPOGONADISM 2 WITHOUT ANOSMIA; FGFR1-Related GnRH Deficiency (Kallmann Syndrome 2); HYPOGONADOTROPIC HYPOGONADISM 2 WITH OR WITHOUT ANOSMIA, SUSCEPTIBILITY TO; HYPOGONADOTROPIC HYPOGONADISM 2 WITHOUT ANOSMIA, SUSCEPTIBILITY TO. Identifiers: Orphanet 478, MedGen C1563720, MONDO:0007844, OMIM 147950. Disease mechanism: loss of function.

Allele frequency attached by ClinVar (database versions not stated): gnomAD exomes 0.00014 and 0.00039; ExAC 0.00046; ESP Exome Variant Server 0.00057; 1000 Genomes Project 30x 0.00078; gnomAD 0.00078 and 0.00079; 1000 Genomes Project 0.00080; TOPMed 0.00087.
gnomAD v4.1: 337 of 1,614,100 alleles (0.021%); highest among the groups gnomAD compares: Middle Eastern, 0.35%; no homozygotes.

Submissions (7):

Labcorp Genetics (formerly Invitae), Labcorp
Classification: Benign for Pfeiffer syndrome; Hypogonadotropic hypogonadism 2 with or without anosmia. Last evaluated: 2026-01-06. Review status: criteria provided, single submitter. Criteria: Invitae Variant Classification Sherloc (09022015). Collection method: clinical testing. Allele origin: germline.

CeGaT Center for Human Genetics Tuebingen
Classification: Likely benign. Last evaluated: 2025-10-01. Review status: criteria provided, single submitter. Criteria: CeGaT Center For Human Genetics Tuebingen Variant Classification Criteria Version 2. Collection method: clinical testing. Allele origin: germline. Affected: yes. Observed: 2 variant alleles.
Comment: FGFR1: BP4, BP7

ARUP Laboratories, Molecular Genetics and Genomics, ARUP Laboratories
Classification: Benign. Last evaluated: 2025-06-24. Review status: criteria provided, single submitter. Criteria: ARUP Molecular Germline Variant Investigation Process 2024. Collection method: clinical testing. Allele origin: germline.

Blueprint Genetics
Classification: Likely benign. Last evaluated: 2024-11-01. Review status: criteria provided, single submitter. Criteria: ACMG Guidelines, 2015. Collection method: clinical testing. Allele origin: germline.

GeneDx
Classification: Likely benign. Last evaluated: 2020-12-16. Review status: criteria provided, single submitter. Criteria: GeneDx Variant Classification Process June 2021. Collection method: clinical testing. Allele origin: germline. Affected: yes.

Eurofins Ntd Llc (ga)
Classification: Uncertain significance. Last evaluated: 2016-12-13. Review status: criteria provided, single submitter. Criteria: EGL Classification Definitions 2015. Collection method: clinical testing. Allele origin: germline. Observed: 1 variant allele, 1 heterozygote.

PreventionGenetics, part of Exact Sciences
Classification: Likely benign for FGFR1-related condition. Last evaluated: 2019-11-01. Review status: no assertion criteria provided. Collection method: clinical testing. Allele origin: germline. Not counted in ClinVar's aggregate classification.
Comment: This variant is classified as likely benign based on ACMG/AMP sequence variant interpretation guidelines (Richards et al. 2015 PMID: 25741868, with internal and published modifications).

NM_023110.3(FGFR1):c.1098G>A (p.Pro366=)

Gene: FGFR1 (fibroblast growth factor receptor 1; minus strand). Cytogenetic location: 8p11.23.
Variant type: single nucleotide variant.
Coding change: c.1098G>A on transcript NM_023110.3 (MANE Select); coding-DNA position 1098, G replaced by A.
Protein change: p.Pro366=; no amino-acid change (proline 366 retained).
Molecular consequence: synonymous variant.
Genome position (GRCh38, 1-based): chr8:38,419,719, C>T on the plus strand (G>A on the coding strand, the complement: FGFR1 is on the minus strand). VCF-style: chr8-38419719-C-T. GRCh37 (hg19) VCF-style: chr8-38277237-C-T.
Other names: c.1098G>A, p.Pro366= (NM_001174063.2); c.1074G>A, p.Pro358= (NM_001174064.2); c.1092G>A, p.Pro364= (NM_001174065.2, NM_001354367.2, NM_001354369.2 and 1 more transcripts); c.831G>A, p.Pro277= (NM_001174066.2, NM_023105.3); c.1191G>A, p.Pro397= (NM_001174067.2); c.825G>A, p.Pro275= (NM_001354368.2, NM_001354370.2, NM_023106.3).
Identifiers: ClinVar variation 498519 (VCV000498519.37), dbSNP rs56174879, ClinGen allele CA4718477.